The following is an entry in ClinVar:

NM_006922.4(SCN3A):c.5777A>G (p.Asn1926Ser)

Gene: SCN3A (sodium voltage-gated channel alpha subunit 3; minus strand). Cytogenetic location: 2q24.3.
Variant type: single nucleotide variant.
Coding change: c.5777A>G on transcript NM_006922.4 (MANE Select); coding-DNA position 5777, A replaced by G.
Protein change: p.Asn1926Ser; replaces asparagine 1926 with serine.
Molecular consequence: missense variant.
Genome position (GRCh38, 1-based): chr2:165,090,376, T>C on the plus strand (A>G on the coding strand, the complement: SCN3A is on the minus strand). VCF-style: chr2-165090376-T-C. GRCh37 (hg19) VCF-style: chr2-165946886-T-C.
Other names: c.5630A>G, p.Asn1877Ser (NM_001081676.2, NM_001081677.2); short protein forms N1926S, N1877S.
Identifiers: ClinVar variation 3677723 (VCV003677723.2).
Genomic context (GRCh38, chr2:165,090,376, plus strand): 5'-ATAATCATGTCTTGTTTTATAGGTAAGTCAATCCTCCCTTTAATTGCCTCTTTGTTATAG[T>C]TACTTGATATATTTTTTAACCTTTGCTTTAAAAGATAACATCTGAAATTACGCTGAATGA-3'
Protein context (NP_008853.3, residues 1916-1936): LKQRLKNISS[Asn1926Ser]YNKEAIKGRI

ClinVar aggregate classification (germline): Uncertain significance (1 of 4 stars; one submission).

gnomAD v4.1: 4 of 1,613,042 alleles (0.00025%); highest among the groups gnomAD compares: Non-Finnish European, 0.00034%; no homozygotes.

Submission:

Labcorp Genetics (formerly Invitae), Labcorp
Classification: Uncertain significance. Last evaluated: 2026-01-22. Review status: criteria provided, single submitter. Criteria: Invitae Variant Classification Sherloc (09022015). Collection method: clinical testing. Allele origin: germline.
Comment: This sequence change replaces asparagine, which is neutral and polar, with serine, which is neutral and polar, at codon 1926 of the SCN3A protein (p.Asn1926Ser). This variant is present in population databases (rs199983547, gnomAD 0.002%). This variant has not been reported in the literature in individuals affected with SCN3A-related conditions. ClinVar contains an entry for this variant (Variation ID: 3677723). Invitae Evidence Modeling of protein sequence and biophysical properties (such as structural, functional, and spatial information, amino acid conservation, physicochemical variation, residue mobility, and thermodynamic stability) indicates that this missense variant is not expected to disrupt SCN3A protein function with a negative predictive value of 80%. In summary, the available evidence is currently insufficient to determine the role of this variant in disease. Therefore, it has been classified as a Variant of Uncertain Significance.